The following is an entry in ClinVar:

ClinVar aggregate classification (germline): Uncertain significance (1 of 4 stars; one submission).

Conditions:
Malignant hyperthermia, susceptibility to, 5 (MHS5). Also called: CACNA1S-Related Malignant Hyperthermia Susceptibility. Identifiers: Orphanet 423, MedGen C1866077, MONDO:0011163, OMIM 601887.

Submission:

All of Us Research Program, National Institutes of Health
Classification: Uncertain significance for Malignant hyperthermia, susceptibility to, 5. Last evaluated: 2023-06-08. Review status: criteria provided, single submitter. Criteria: ACMG Guidelines, 2015. Collection method: clinical testing. Allele origin: germline. Inheritance: Autosomal dominant inheritance. Observed: 1 variant allele, 1 heterozygote.
Comment: This missense variant replaces isoleucine with leucine at codon 530 of the CACNA1S protein. Computational prediction is inconclusive regarding the impact of this variant on protein structure and function (internally defined REVEL score threshold 0.5 < inconclusive < 0.7, PMID: 27666373). To our knowledge, functional studies have not been reported for this variant. This variant has not been reported in individuals affected with CACNA1S-related disorders in the literature. This variant has not been identified in the general population by the Genome Aggregation Database (gnomAD). The available evidence is insufficient to determine the role of this variant in disease conclusively. Therefore, this variant is classified as a Variant of Uncertain Significance.

This study involves interpretation of variants in research participants for the purpose of population health screening. Participant phenotype was not available at the time of variant classification. Additional details can be found in publication PMID: 35346344, PMCID: PMC8962531

NM_000069.3(CACNA1S):c.1588A>C (p.Ile530Leu)

Gene: CACNA1S (calcium voltage-gated channel subunit alpha1 S; minus strand). Cytogenetic location: 1q32.1.
Variant type: single nucleotide variant.
Coding change: c.1588A>C on transcript NM_000069.3 (MANE Select); coding-DNA position 1588, A replaced by C.
Protein change: p.Ile530Leu; replaces isoleucine 530 with leucine.
Molecular consequence: missense variant.
Genome position (GRCh38, 1-based): chr1:201,077,910, T>G on the plus strand (A>C on the coding strand, the complement: CACNA1S is on the minus strand). VCF-style: chr1-201077910-T-G. GRCh37 (hg19) VCF-style: chr1-201047038-T-G.
Other names: short protein forms I530L.
Identifiers: ClinVar variation 3071551 (VCV003071551.1), dbSNP rs2464570262, ClinGen allele CA344121212.
Genomic context (GRCh38, chr1:201,077,910, plus strand): 5'-CGGGAGTGCCAGCCGACCCCGGCACTCACTTGGTGATCTTGAAGATCCTCAGGAGGCGGA[T>G]GCAGCGGAGCACGGAGATGCCCAGGGGTGTCATGGCACCCGACTCCACCAGCAGGATCTC-3'
Protein context (NP_000060.2, residues 520-540): TPLGISVLRC[Ile530Leu]RLLRIFKITK